The following is an entry in ClinVar:

ClinVar aggregate classification (germline): Uncertain significance. Review status: criteria provided, multiple submitters, no conflicts (2 of 4 stars). 2 submissions from 2 submitters: Uncertain significance (2). Last evaluated 2025-06-09.

Conditions:
Hereditary cancer-predisposing syndrome. Also called: Neoplastic Syndromes, Hereditary; Hereditary Cancer Syndrome; Hereditary neoplastic syndrome; Tumor predisposition. Identifiers: Orphanet 140162, MedGen C0027672, MeSH D009386, MONDO:0015356.

Submissions (2):

Ambry Genetics
Classification: Uncertain significance for Hereditary cancer-predisposing syndrome. Last evaluated: 2025-06-09. Review status: criteria provided, single submitter. Criteria: Ambry Variant Classification Scheme 2023. Collection method: clinical testing. Allele origin: germline.
Comment: The p.S220L variant (also known as c.659C>T), located in coding exon 4 of the MSH3 gene, results from a C to T substitution at nucleotide position 659. The serine at codon 220 is replaced by leucine, an amino acid with dissimilar properties. This amino acid position is conserved. In addition, this alteration is predicted to be tolerated by in silico analysis. Based on the available evidence, the clinical significance of this variant remains unclear.

Labcorp Genetics (formerly Invitae), Labcorp
Classification: Uncertain significance. Last evaluated: 2024-05-17. Review status: criteria provided, single submitter. Criteria: Invitae Variant Classification Sherloc (09022015). Collection method: clinical testing. Allele origin: germline.
Comment: This sequence change replaces serine, which is neutral and polar, with leucine, which is neutral and non-polar, at codon 220 of the MSH3 protein (p.Ser220Leu). This variant is not present in population databases (gnomAD no frequency). This variant has not been reported in the literature in individuals affected with MSH3-related conditions. ClinVar contains an entry for this variant (Variation ID: 1420278). Algorithms developed to predict the effect of missense changes on protein structure and function output the following: SIFT: "Not Available"; PolyPhen-2: "Benign"; Align-GVGD: "Not Available". The leucine amino acid residue is found in multiple mammalian species, which suggests that this missense change does not adversely affect protein function. In summary, the available evidence is currently insufficient to determine the role of this variant in disease. Therefore, it has been classified as a Variant of Uncertain Significance.

NM_002439.5(MSH3):c.659C>T (p.Ser220Leu)

Gene: MSH3 (mutS homolog 3; plus strand). Cytogenetic location: 5q14.1.
Variant type: single nucleotide variant.
Coding change: c.659C>T on transcript NM_002439.5 (MANE Select); coding-DNA position 659, C replaced by T.
Protein change: p.Ser220Leu; replaces serine 220 with leucine.
Molecular consequence: missense variant.
Genome position (GRCh38, 1-based): chr5:80,670,176, C>T. VCF-style: chr5-80670176-C-T. GRCh37 (hg19) VCF-style: chr5-79965995-C-T.
Other names: c.659C>T (NM_002439.3); short protein forms S220L.
Identifiers: ClinVar variation 1420278 (VCV001420278.9), dbSNP rs768842380, ClinGen allele CA360266667.